The following is an entry in ClinVar:

NM_013382.7(POMT2):c.758T>G (p.Val253Gly)

Gene: POMT2 (protein O-mannosyltransferase 2; minus strand). Cytogenetic location: 14q24.3.
Variant type: single nucleotide variant.
Coding change: c.758T>G on transcript NM_013382.7 (MANE Select); coding-DNA position 758, T replaced by G.
Protein change: p.Val253Gly; replaces valine 253 with glycine.
Molecular consequence: missense variant.
Genome position (GRCh38, 1-based): chr14:77,301,148, A>C on the plus strand (T>G on the coding strand, the complement: POMT2 is on the minus strand). VCF-style: chr14-77301148-A-C. GRCh37 (hg19) VCF-style: chr14-77767491-A-C.
Other names: short protein forms V253G.
Identifiers: ClinVar variation 847275 (VCV000847275.7), dbSNP rs760828168, ClinGen allele CA263837429.

ClinVar aggregate classification (germline): Uncertain significance (1 of 4 stars; one submission).

Conditions:
Muscular dystrophy-dystroglycanopathy (congenital with brain and eye anomalies), type A2. Also called: MUSCULAR DYSTROPHY-DYSTROGLYCANOPATHY (CONGENITAL WITH BRAIN AND EYE ANOMALIES), TYPE A, 2; WALKER-WARBURG SYNDROME OR MUSCLE-EYE-BRAIN DISEASE, POMT2-RELATED. Identifiers: Orphanet 588, Orphanet 899, MedGen C3150411, MONDO:0013154, OMIM 613150.
Muscular dystrophy-dystroglycanopathy (congenital with impaired intellectual development), type B, 2. Also called: MUSCULAR DYSTROPHY, CONGENITAL, POMT2-RELATED; Muscular dystrophy-dystroglycanopathy (congenital with intellectual disability), type B2. Identifiers: MedGen C3150416, MONDO:0013160, OMIM 613156.
Autosomal recessive limb-girdle muscular dystrophy type 2N. Also called: MUSCULAR DYSTROPHY-DYSTROGLYCANOPATHY, LIMB-GIRDLE, POMT2-RELATED; Muscular dystrophy-dystroglycanopathy (limb-girdle), type C, 2. Identifiers: Orphanet 206559, MedGen C3150418, MONDO:0013162, OMIM 613158.

gnomAD v4.1: 3 of 1,614,208 alleles (0.00019%); highest among the groups gnomAD compares: Non-Finnish European, 0.00025%; no homozygotes.

Submission:

Labcorp Genetics (formerly Invitae), Labcorp
Classification: Uncertain significance for Muscular dystrophy-dystroglycanopathy (congenital with impaired intellectual development), type B, 2; Muscular dystrophy-dystroglycanopathy (congenital with brain and eye anomalies), type A2; Autosomal recessive limb-girdle muscular dystrophy type 2N. Last evaluated: 2022-07-11. Review status: criteria provided, single submitter. Criteria: Invitae Variant Classification Sherloc (09022015). Collection method: clinical testing. Allele origin: germline.
Comment: This sequence change replaces valine, which is neutral and non-polar, with glycine, which is neutral and non-polar, at codon 253 of the POMT2 protein (p.Val253Gly). This variant is not present in population databases (gnomAD no frequency). This variant has not been reported in the literature in individuals affected with POMT2-related conditions. ClinVar contains an entry for this variant (Variation ID: 847275). Algorithms developed to predict the effect of missense changes on protein structure and function (SIFT, PolyPhen-2, Align-GVGD) all suggest that this variant is likely to be disruptive. In summary, the available evidence is currently insufficient to determine the role of this variant in disease. Therefore, it has been classified as a Variant of Uncertain Significance.